The following is an entry in ClinVar:

ClinVar aggregate classification (germline): Uncertain significance (1 of 4 stars; one submission).

Allele frequency attached by ClinVar (database versions not stated): gnomAD exomes below 0.00001; TOPMed below 0.00001; gnomAD 0.00001.
gnomAD v4.1: 3 of 1,611,410 alleles (0.00019%); highest among the groups gnomAD compares: Non-Finnish European, 0.00025%; no homozygotes.

Submission:

CeGaT Center for Human Genetics Tuebingen
Classification: Uncertain significance. Last evaluated: 2022-08-01. Review status: criteria provided, single submitter. Criteria: CeGaT Center For Human Genetics Tuebingen Variant Classification Criteria Version 2. Collection method: clinical testing. Allele origin: germline. Affected: yes. Observed: 1 variant allele.
Comment: FBXO28: PM2

NM_015176.4(FBXO28):c.643A>G (p.Ile215Val)

Gene: FBXO28 (F-box protein 28; plus strand). Cytogenetic location: 1q42.11.
Variant type: single nucleotide variant.
Coding change: c.643A>G on transcript NM_015176.4 (MANE Select); coding-DNA position 643, A replaced by G.
Protein change: p.Ile215Val; replaces isoleucine 215 with valine.
Molecular consequence: missense variant. On other transcripts: non-coding transcript variant (1), intron variant (1).
Genome position (GRCh38, 1-based): chr1:224,153,268, A>G. VCF-style: chr1-224153268-A-G. GRCh37 (hg19) VCF-style: chr1-224340970-A-G.
Other names: c.517-4084A>G (NM_001136115.3); short protein forms I215V.
Identifiers: ClinVar variation 2639926 (VCV002639926.24), dbSNP rs1334112369, ClinGen allele CA344704841.